The following is an entry in ClinVar:

ClinVar aggregate classification (germline): Uncertain significance (1 of 4 stars; one submission).

Submission:

Labcorp Genetics (formerly Invitae), Labcorp
Classification: Uncertain significance. Last evaluated: 2025-11-15. Review status: criteria provided, single submitter. Criteria: Invitae Variant Classification Sherloc (09022015). Collection method: clinical testing. Allele origin: germline.
Comment: This sequence change replaces isoleucine, which is neutral and non-polar, with valine, which is neutral and non-polar, at codon 743 of the CLCN5 protein (p.Ile743Val). This variant is not present in population databases (gnomAD no frequency). This variant has not been reported in the literature in individuals affected with CLCN5-related conditions. An algorithm developed to predict the effect of missense changes on protein structure and function (PolyPhen-2) suggests that this variant is likely to be disruptive. In summary, the available evidence is currently insufficient to determine the role of this variant in disease. Therefore, it has been classified as a Variant of Uncertain Significance.

NM_001127898.4(CLCN5):c.2437A>G (p.Ile813Val)

Gene: CLCN5 (chloride voltage-gated channel 5; plus strand). Cytogenetic location: Xp11.23.
Variant type: single nucleotide variant.
Coding change: c.2437A>G on transcript NM_001127898.4 (MANE Select); coding-DNA position 2437, A replaced by G.
Protein change: p.Ile813Val; replaces isoleucine 813 with valine.
Molecular consequence: missense variant. On other transcripts: non-coding transcript variant (1).
Genome position (GRCh38, 1-based): chrX:50,092,205, A>G. VCF-style: chrX-50092205-A-G. GRCh37 (hg19) VCF-style: chrX-49856862-A-G.
Other names: c.2227A>G, p.Ile743Val (NM_000084.5); c.2437A>G, p.Ile813Val (NM_001127899.4); c.2287A>G, p.Ile763Val (NM_001282163.2); c.2449A>G, p.Ile817Val (NM_001440756.1, NM_001440757.1); short protein forms I763V, I813V, I817V, I743V.
Identifiers: ClinVar variation 4730752 (VCV004730752.1).